The following is an entry in ClinVar:

NM_032608.7(MYO18B):c.7031C>T (p.Ser2344Leu)

Gene: MYO18B (myosin XVIIIB; plus strand). Cytogenetic location: 22q12.1.
Variant type: single nucleotide variant.
Coding change: c.7031C>T on transcript NM_032608.7 (MANE Select); coding-DNA position 7031, C replaced by T.
Protein change: p.Ser2344Leu; replaces serine 2344 with leucine.
Molecular consequence: missense variant.
Genome position (GRCh38, 1-based): chr22:26,027,005, C>T. VCF-style: chr22-26027005-C-T. GRCh37 (hg19) VCF-style: chr22-26422971-C-T.
Other names: c.7034C>T, p.Ser2345Leu (NM_001318245.2); short protein forms S2344L, S2345L.
Identifiers: ClinVar variation 1400436 (VCV001400436.6), dbSNP rs758352080, ClinGen allele CA10161667.

ClinVar aggregate classification (germline): Uncertain significance (1 of 4 stars; one submission).

gnomAD v4.1: 15 of 1,613,968 alleles (0.00093%); highest among the groups gnomAD compares: East Asian, 0.0022%; no homozygotes.

Submission:

Labcorp Genetics (formerly Invitae), Labcorp
Classification: Uncertain significance. Last evaluated: 2022-07-19. Review status: criteria provided, single submitter. Criteria: Invitae Variant Classification Sherloc (09022015). Collection method: clinical testing. Allele origin: germline.
Comment: In summary, the available evidence is currently insufficient to determine the role of this variant in disease. Therefore, it has been classified as a Variant of Uncertain Significance. Algorithms developed to predict the effect of missense changes on protein structure and function output the following: SIFT: "Not Available"; PolyPhen-2: "Benign"; Align-GVGD: "Not Available". The leucine amino acid residue is found in multiple mammalian species, which suggests that this missense change does not adversely affect protein function. ClinVar contains an entry for this variant (Variation ID: 1400436). This variant has not been reported in the literature in individuals affected with MYO18B-related conditions. This variant is present in population databases (rs758352080, gnomAD 0.006%). This sequence change replaces serine with leucine at codon 2344 of the MYO18B protein (p.Ser2344Leu). The serine residue is weakly conserved and there is a large physicochemical difference between serine and leucine.